The following is an entry in ClinVar:

ClinVar aggregate classification (germline): Pathogenic (1 of 4 stars; one submission).

Submission:

Labcorp Genetics (formerly Invitae), Labcorp
Classification: Pathogenic. Last evaluated: 2024-08-20. Review status: criteria provided, single submitter. Criteria: Invitae Variant Classification Sherloc (09022015). Collection method: clinical testing. Allele origin: germline.
Comment: This sequence change affects a donor splice site in intron 5 of the SERPING1 gene. It is expected to disrupt RNA splicing. Variants that disrupt the donor or acceptor splice site typically lead to a loss of protein function (PMID: 16199547), and loss-of-function variants in SERPING1 are known to be pathogenic (PMID: 11112899, 24456027). This variant is not present in population databases (gnomAD no frequency). Disruption of this splice site has been observed in individual(s) with autosomal dominant hereditary angioedema type 1 (PMID: 18758157, 31517426). In at least one individual the variant was observed to be de novo. Algorithms developed to predict the effect of sequence changes on RNA splicing suggest that this variant may disrupt the consensus splice site. For these reasons, this variant has been classified as Pathogenic.

Literature cited by the submitters: PubMed 16199547; PubMed 11112899; PubMed 24456027; PubMed 18758157; PubMed 31517426.

NM_000062.3(SERPING1):c.889+1G>A

Gene: SERPING1 (serpin family G member 1; plus strand). Cytogenetic location: 11q12.1.
Variant type: single nucleotide variant.
Coding change: c.889+1G>A on transcript NM_000062.3 (MANE Select); the canonical splice donor site of the intron after coding-DNA position 889, G replaced by A.
Molecular consequence: splice donor variant.
Genome position (GRCh38, 1-based): chr11:57,606,214, G>A. VCF-style: chr11-57606214-G-A. GRCh37 (hg19) VCF-style: chr11-57373687-G-A.
Other names: c.889+1G>A (NM_001032295.2).
Identifiers: ClinVar variation 3663064 (VCV003663064.2).